The following is an entry in ClinVar:

ClinVar aggregate classification (germline): Likely benign. Review status: criteria provided, multiple submitters, no conflicts (2 of 4 stars). 7 submissions from 5 submitters: Likely benign (7). Last evaluated 2023-12-18.

Conditions:
Hypertrophic cardiomyopathy 2. Also called: TNNT2-Related Familial Hypertrophic Cardiomyopathy. Identifiers: MedGen C1861864, MONDO:0007266, OMIM 115195.
Cardiomyopathy, familial restrictive, 3. Identifiers: Orphanet 75249, MedGen C2676271, MONDO:0012900, OMIM 612422.
Dilated cardiomyopathy 1D. Identifiers: Orphanet 154, Orphanet 54260, MedGen C1832243, MONDO:0011095, OMIM 601494.
Cardiovascular phenotype. Identifiers: MedGen CN230736.
Cardiomyopathy (CMYO). Also called: Cardiomyopathies. Identifiers: Orphanet 167848, MedGen C0878544, MONDO:0004994, HP:0001638. Inheritance: Various modes of inheritance.

Allele frequency attached by ClinVar (database versions not stated): gnomAD exomes below 0.00001; ExAC 0.00001; TOPMed 0.00001.
gnomAD v4.1: 2 of 1,614,138 alleles (0.00012%); highest among the groups gnomAD compares: East Asian, 0.0022%; no homozygotes.

Submissions (7):

All of Us Research Program, National Institutes of Health
Classification: Likely benign for Cardiomyopathy. Last evaluated: 2023-12-18. Review status: criteria provided, single submitter. Criteria: ACMG Guidelines, 2015. Collection method: clinical testing. Allele origin: germline. Inheritance: Autosomal dominant inheritance. Observed: 4 variant alleles, 4 heterozygotes.
Comment: This study involves interpretation of variants in research participants for the purpose of population health screening. Participant phenotype was not available at the time of variant classification. Additional details can be found in publication PMID: 35346344, PMCID: PMC8962531

Genome-Nilou Lab
Classification: Likely benign for Dilated cardiomyopathy 1D. Last evaluated: 2023-04-11. Review status: criteria provided, single submitter. Criteria: ACMG Guidelines, 2015. Collection method: clinical testing. Allele origin: germline. Affected: no.

Genome-Nilou Lab
Classification: Likely benign for Cardiomyopathy, familial restrictive, 3. Last evaluated: 2023-04-11. Review status: criteria provided, single submitter. Criteria: ACMG Guidelines, 2015. Collection method: clinical testing. Allele origin: germline. Affected: no.

Genome-Nilou Lab
Classification: Likely benign for Hypertrophic cardiomyopathy 2. Last evaluated: 2023-04-11. Review status: criteria provided, single submitter. Criteria: ACMG Guidelines, 2015. Collection method: clinical testing. Allele origin: germline. Affected: no.

Ambry Genetics
Classification: Likely benign for Cardiovascular phenotype. Last evaluated: 2023-03-12. Review status: criteria provided, single submitter. Criteria: Ambry Variant Classification Scheme 2023. Collection method: clinical testing. Allele origin: germline.

Color Diagnostics, LLC DBA Color Health
Classification: Likely benign for Cardiomyopathy. Last evaluated: 2022-11-06. Review status: criteria provided, single submitter. Criteria: ACMG Guidelines, 2015. Collection method: clinical testing. Allele origin: germline.

Labcorp Genetics (formerly Invitae), Labcorp
Classification: Likely benign for Cardiomyopathy, familial restrictive, 3; Hypertrophic cardiomyopathy 2; Dilated cardiomyopathy 1D. Last evaluated: 2020-06-27. Review status: criteria provided, single submitter. Criteria: Invitae Variant Classification Sherloc (09022015). Collection method: clinical testing. Allele origin: germline.

NM_001276345.2(TNNT2):c.228G>A (p.Lys76=)

Gene: TNNT2 (troponin T2, cardiac type; minus strand). Cytogenetic location: 1q32.1.
Variant type: single nucleotide variant.
Coding change: c.228G>A on transcript NM_001276345.2 (MANE Select); coding-DNA position 228, G replaced by A.
Protein change: p.Lys76=; no amino-acid change (lysine 76 retained).
Molecular consequence: synonymous variant.
Genome position (GRCh38, 1-based): chr1:201,366,843, C>T on the plus strand (G>A on the coding strand, the complement: TNNT2 is on the minus strand). VCF-style: chr1-201366843-C-T. GRCh37 (hg19) VCF-style: chr1-201335971-C-T.
Other names: c.228G>A, p.Lys76= (NM_000364.4); c.198G>A, p.Lys66= (NM_001001430.3, NM_001001431.3, NM_001276347.2); c.183G>A, p.Lys61= (NM_001001432.3); c.225G>A, p.Lys75= (NM_001276346.2); c.198G>A (NM_001001430.1).
Identifiers: ClinVar variation 1096681 (VCV001096681.13), dbSNP rs727504869, ClinGen allele CA026615.
Genomic context (GRCh38, chr1:201,366,843, plus strand): 5'-ATCCTCTCTCCCTGAGCCTCTGCTCCCGGCTCTACCCAGGTGCCTCCCCACTCACCTGGG[C>T]TTTGGTTTGGACTCCTCCATTGGGCCATCTGGAGGAGATAGAAGCACACAGCCATGGGTC-3'
Protein context (NP_001263274.1, residues 66-86): EDGPMEESKP[Lys76=]PRSFMPNLVP